The following is an entry in ClinVar:

NM_014555.4(TRPM5):c.933C>A (p.His311Gln)

Gene: TRPM5 (transient receptor potential cation channel subfamily M member 5; minus strand). Cytogenetic location: 11p15.5.
Variant type: single nucleotide variant.
Coding change: c.933C>A on transcript NM_014555.4 (MANE Select); coding-DNA position 933, C replaced by A.
Protein change: p.His311Gln; replaces histidine 311 with glutamine.
Molecular consequence: missense variant.
Genome position (GRCh38, 1-based): chr11:2,417,803, G>T on the plus strand (C>A on the coding strand, the complement: TRPM5 is on the minus strand). VCF-style: chr11-2417803-G-T. GRCh37 (hg19) VCF-style: chr11-2439033-G-T.
Other names: c.933C>A (NM_014555.3); short protein forms H311Q.
Identifiers: ClinVar variation 2641360 (VCV002641360.24), dbSNP rs138197888, ClinGen allele CA5821698.

ClinVar aggregate classification (germline): Conflicting classifications of pathogenicity. Review status: criteria provided, conflicting classifications (1 of 4 stars). 2 submissions from 2 submitters: Uncertain significance (1); Likely benign (1). Last evaluated 2025-09-22.

Allele frequency attached by ClinVar (database versions not stated): 1000 Genomes Project 30x 0.00062; 1000 Genomes Project 0.00080; TOPMed 0.00103; gnomAD 0.00122; ESP Exome Variant Server 0.00162; ExAC 0.00284.
gnomAD v4.1: 2,628 of 1,588,448 alleles (0.17%); highest among the groups gnomAD compares: South Asian, 0.22%; 6 homozygotes.

Submissions (2):

Ambry Genetics
Classification: Uncertain significance. Last evaluated: 2025-09-22. Review status: criteria provided, single submitter. Criteria: Ambry Variant Classification Scheme 2023. Collection method: clinical testing. Allele origin: germline.

CeGaT Center for Human Genetics Tuebingen
Classification: Likely benign. Last evaluated: 2023-08-01. Review status: criteria provided, single submitter. Criteria: CeGaT Center For Human Genetics Tuebingen Variant Classification Criteria Version 2. Collection method: clinical testing. Allele origin: germline. Affected: yes. Observed: 1 variant allele.
Comment: TRPM5: BP4, BS2